The following is an entry in ClinVar:

NM_002609.4(PDGFRB):c.994C>T (p.Arg332Trp)

Gene: PDGFRB (platelet derived growth factor receptor beta; minus strand). Cytogenetic location: 5q32.
Variant type: single nucleotide variant.
Coding change: c.994C>T on transcript NM_002609.4 (MANE Select); coding-DNA position 994, C replaced by T.
Protein change: p.Arg332Trp; replaces arginine 332 with tryptophan.
Molecular consequence: missense variant.
Genome position (GRCh38, 1-based): chr5:150,132,883, G>A on the plus strand (C>T on the coding strand, the complement: PDGFRB is on the minus strand). VCF-style: chr5-150132883-G-A. GRCh37 (hg19) VCF-style: chr5-149512446-G-A.
Other names: c.802C>T, p.Arg268Trp (NM_001355016.2); c.511C>T, p.Arg171Trp (NM_001355017.2); short protein forms R268W, R332W, R171W.
Identifiers: ClinVar variation 2162158 (VCV002162158.4), dbSNP rs1291265658, ClinGen allele CA361720336.
Genomic context (GRCh38, chr5:150,132,883, plus strand): 5'-TGAACCACAGGACAGTGGGCGGTGGGTAGGCCTCGAACACTACCTGCAGTGTCCGGCTCC[G>A]ATGCAGCTCAGCAAATTGTAGTGTGCCCACCTCTCCCAGGAGCCGCACGTAGCCGCTCTC-3'
Protein context (NP_002600.1, residues 322-342): VGTLQFAELH[Arg332Trp]SRTLQVVFEA

ClinVar aggregate classification (germline): Uncertain significance (1 of 4 stars; one submission).

Conditions:
Infantile myofibromatosis (IMF). Also called: Congenital generalized fibromatosis. Identifiers: Orphanet 2591, MedGen C0432284, MONDO:0016824.
Skeletal overgrowth-craniofacial dysmorphism-hyperelastic skin-white matter lesions syndrome. Also called: SKELETAL OVERGROWTH WITH FACIAL DYSMORPHISM, HYPERELASTIC SKIN, WHITE MATTER LESIONS, AND NEUROLOGIC DETERIORATION; Kosaki overgrowth syndrome. Identifiers: Orphanet 477831, MedGen C4225270, MONDO:0014704, OMIM 616592.
Basal ganglia calcification, idiopathic, 4 (PFBC4). Also called: Familial Idiopathic Basal Ganglia Calcification 4; PRIMARY FAMILIAL BRAIN CALCIFICATION 4, AUTOSOMAL DOMINANT. Identifiers: Orphanet 1980, MedGen C3554321, MONDO:0014004, OMIM 615007.
Acroosteolysis-keloid-like lesions-premature aging syndrome. Also called: Premature aging syndrome, Penttinen type; Prematurely aged appearance, delayed bone maturation, acro-osteolysis, and brachydactyly; Progeroid syndrome, Penttinen type. Identifiers: Orphanet 363665, MedGen C1866182, MONDO:0011150, OMIM 601812.

Submission:

Labcorp Genetics (formerly Invitae), Labcorp
Classification: Uncertain significance for Basal ganglia calcification, idiopathic, 4; Skeletal overgrowth-craniofacial dysmorphism-hyperelastic skin-white matter lesions syndrome; Infantile myofibromatosis; Acroosteolysis-keloid-like lesions-premature aging syndrome. Last evaluated: 2025-06-23. Review status: criteria provided, single submitter. Criteria: Invitae Variant Classification Sherloc (09022015). Collection method: clinical testing. Allele origin: germline.
Comment: This sequence change replaces arginine, which is basic and polar, with tryptophan, which is neutral and slightly polar, at codon 332 of the PDGFRB protein (p.Arg332Trp). The frequency data for this variant in the population databases is considered unreliable, as metrics indicate poor data quality at this position in the gnomAD database. This missense change has been observed in individual(s) with PDGFRB-related conditions (PMID: 36599954). ClinVar contains an entry for this variant (Variation ID: 2162158). Invitae Evidence Modeling of protein sequence and biophysical properties (such as structural, functional, and spatial information, amino acid conservation, physicochemical variation, residue mobility, and thermodynamic stability) indicates that this missense variant is not expected to disrupt PDGFRB protein function with a negative predictive value of 80%. In summary, the available evidence is currently insufficient to determine the role of this variant in disease. Therefore, it has been classified as a Variant of Uncertain Significance.

Literature cited by the submitters: PubMed 36599954.